The following is an entry in ClinVar:

ClinVar aggregate classification (germline): Uncertain significance (1 of 4 stars; one submission).

gnomAD v4.1: 1 of 1,614,116 alleles (0.000062%); highest among the groups gnomAD compares: Non-Finnish European, 0.000085%; no homozygotes.

Submission:

GeneDx
Classification: Uncertain significance. Last evaluated: 2026-08-29. Review status: criteria provided, single submitter. Criteria: GeneDx Variant Classification Process June 2021. Collection method: clinical testing. Allele origin: germline.
Comment: Not observed at significant frequency in large population cohorts (gnomAD); In silico analysis suggests that this missense variant does not alter protein structure/function; Has not been previously published as pathogenic or benign to our knowledge

NM_020987.5(ANK3):c.11560A>G (p.Lys3854Glu)

Gene: ANK3 (ankyrin 3; minus strand). Cytogenetic location: 10q21.2.
Variant type: single nucleotide variant.
Coding change: c.11560A>G on transcript NM_020987.5 (MANE Select); coding-DNA position 11560, A replaced by G.
Protein change: p.Lys3854Glu; replaces lysine 3854 with glutamic acid.
Molecular consequence: missense variant. On other transcripts: intron variant (4).
Genome position (GRCh38, 1-based): chr10:60,069,321, T>C on the plus strand (A>G on the coding strand, the complement: ANK3 is on the minus strand). VCF-style: chr10-60069321-T-C. GRCh37 (hg19) VCF-style: chr10-61829079-T-C.
Other names: c.4388-1312A>G (NM_001204403.2); c.4409-1312A>G (NM_001204404.2); c.4406-1312A>G (NM_001320874.2); c.1808-1312A>G (NM_001149.4); short protein forms K3854E.
Identifiers: ClinVar variation 4071790 (VCV004071790.2).